The following is an entry in ClinVar:

NM_001365276.2(TNXB):c.1840G>A (p.Glu614Lys)

Gene: TNXB (tenascin XB; minus strand). Cytogenetic location: 6p21.33.
Variant type: single nucleotide variant.
Coding change: c.1840G>A on transcript NM_001365276.2 (MANE Select); coding-DNA position 1840, G replaced by A.
Protein change: p.Glu614Lys; replaces glutamic acid 614 with lysine.
Molecular consequence: missense variant.
Genome position (GRCh38, 1-based): chr6:32,096,013, C>T on the plus strand (G>A on the coding strand, the complement: TNXB is on the minus strand). VCF-style: chr6-32096013-C-T. GRCh37 (hg19) VCF-style: chr6-32063790-C-T.
Other names: c.1840G>A, p.Glu614Lys (NM_001428335.1, NM_019105.8); short protein forms E614K.
Identifiers: ClinVar variation 3971947 (VCV003971947.1).

ClinVar aggregate classification (germline): Uncertain significance (1 of 4 stars; one submission).

Conditions:
Cardiovascular phenotype. Identifiers: MedGen CN230736.

gnomAD v4.1: 5 of 1,613,060 alleles (0.00031%); highest among the groups gnomAD compares: Non-Finnish European, 0.00042%; no homozygotes.

Submission:

Ambry Genetics
Classification: Uncertain significance for Cardiovascular phenotype. Last evaluated: 2025-03-23. Review status: criteria provided, single submitter. Criteria: Ambry Variant Classification Scheme 2023. Collection method: clinical testing. Allele origin: germline.
Comment: The p.E614K variant (also known as c.1840G>A), located in coding exon 2 of the TNXB gene, results from a G to A substitution at nucleotide position 1840. The glutamic acid at codon 614 is replaced by lysine, an amino acid with similar properties. This amino acid position is conserved. In addition, this alteration is predicted to be tolerated by in silico analysis. Based on the available evidence, the clinical significance of this variant remains unclear.